The following is an entry in ClinVar:

NM_000090.4(COL3A1):c.1412G>A (p.Gly471Glu)

Gene: COL3A1 (collagen type III alpha 1 chain; plus strand). Cytogenetic location: 2q32.2.
Variant type: single nucleotide variant.
Coding change: c.1412G>A on transcript NM_000090.4 (MANE Select); coding-DNA position 1412, G replaced by A.
Protein change: p.Gly471Glu; replaces glycine 471 with glutamic acid.
Molecular consequence: missense variant.
Genome position (GRCh38, 1-based): chr2:188,994,788, G>A. VCF-style: chr2-188994788-G-A. GRCh37 (hg19) VCF-style: chr2-189859514-G-A.
Other names: short protein forms G471E.
Identifiers: ClinVar variation 2810051 (VCV002810051.3), dbSNP rs2469130264, ClinGen allele CA349851866.

ClinVar aggregate classification (germline): Pathogenic (1 of 4 stars; one submission).

Conditions:
Ehlers-Danlos syndrome, type 4 (EDSVASC). Also called: Ehlers-Danlos Syndrome Type IV; Ehlers-Danlos syndrome vascular type; Ehlers Danlos syndrome, ecchymotic type; Ehlers Danlos syndrome, arterial type; Ehlers Danlos syndrome, Sack-Barabas type. Identifiers: Orphanet 286, MedGen C0268338, MONDO:0017314, OMIM 130050.

Submission:

Labcorp Genetics (formerly Invitae), Labcorp
Classification: Pathogenic for Ehlers-Danlos syndrome, type 4. Last evaluated: 2024-04-25. Review status: criteria provided, single submitter. Criteria: Invitae Variant Classification Sherloc (09022015). Collection method: clinical testing. Allele origin: germline.
Comment: This sequence change replaces glycine, which is neutral and non-polar, with glutamic acid, which is acidic and polar, at codon 471 of the COL3A1 protein (p.Gly471Glu). This variant is not present in population databases (gnomAD no frequency). This missense change has been observed in individuals with Ehlers–Danlos syndrome (PMID: 35543214; Invitae). Advanced modeling of protein sequence and biophysical properties (such as structural, functional, and spatial information, amino acid conservation, physicochemical variation, residue mobility, and thermodynamic stability) performed at Invitae indicates that this missense variant is expected to disrupt COL3A1 protein function with a positive predictive value of 95%. This variant disrupts the triple helix domain of COL3A1. Glycine residues within the Gly-Xaa-Yaa repeats of the triple helix domain are required for the structure and stability of fibrillar collagens (PMID: 7695699, 8218237, 19344236). In COL3A1, variants that affect these glycine residues are significantly enriched in individuals with disease (PMID: 24922459, 25758994) compared to the general population (ExAC). For these reasons, this variant has been classified as Pathogenic.

Literature cited by the submitters: PubMed 35543214; PubMed 7695699; PubMed 8218237; PubMed 19344236; PubMed 24922459; PubMed 25758994.